The following is an entry in ClinVar:

ClinVar aggregate classification (germline): Uncertain significance (1 of 4 stars; one submission).

Conditions:
Retinoblastoma (RB1). Also called: RETINOBLASTOMA, SOMATIC. Identifiers: Orphanet 790, MedGen C0035335, MeSH D012175, MONDO:0008380, OMIM 180200, HP:0009919. Disease mechanism: loss of function. Inheritance: Both sporadic and heritable forms are tested..

Submission:

Labcorp Genetics (formerly Invitae), Labcorp
Classification: Uncertain significance for Retinoblastoma. Last evaluated: 2024-12-20. Review status: criteria provided, single submitter. Criteria: Invitae Variant Classification Sherloc (09022015). Collection method: clinical testing. Allele origin: germline.
Comment: This variant occurs in a non-coding region of the RB1 gene. It does not change the encoded amino acid sequence of the RB1 protein. This variant is not present in population databases (gnomAD no frequency). This variant has not been reported in the literature in individuals affected with RB1-related conditions. In summary, the available evidence is currently insufficient to determine the role of this variant in disease. Therefore, it has been classified as a Variant of Uncertain Significance.

NM_000321.3(RB1):c.-143G>A

Gene: RB1 (RB transcriptional corepressor 1; plus strand). Cytogenetic location: 13q14.2.
Variant type: single nucleotide variant.
Coding change: c.-143G>A on transcript NM_000321.3 (MANE Select); 143 bases upstream of the start codon, G replaced by A.
Molecular consequence: 5 prime UTR variant.
Genome position (GRCh38, 1-based): chr13:48,303,770, G>A. VCF-style: chr13-48303770-G-A. GRCh37 (hg19) VCF-style: chr13-48877906-G-A.
Other names: c.-143G>A (NM_001407165.1, NM_001407166.1, NM_001407167.1).
Identifiers: ClinVar variation 3707162 (VCV003707162.2).
Genomic context (GRCh38, chr13:48,303,770, plus strand): 5'-CGGGCGGAAGTGACGTTTTCCCGCGGTTGGACGCGGCGCTCAGTTGCCGGGCGGGGGAGG[G>A]CGCGTCCGGTTTTTCTCAGGGGACGTTGAAATTATTTTTGTAACGGGAGTCGGGAGAGGA-3'